The following is an entry in ClinVar:

ClinVar aggregate classification (germline): Conflicting classifications of pathogenicity. Review status: criteria provided, conflicting classifications (1 of 4 stars). 16 submissions from 15 submitters: Uncertain significance (9); Likely benign (2). 5 of the submissions do not count toward it. Last evaluated 2026-01-25.

Conditions:
Pancreatic cancer, susceptibility to, 2. Identifiers: Orphanet 1333, MedGen C3150546, MONDO:0013235, OMIM 613347.
Glioma susceptibility 3 (GLM3). Also called: Glioblastoma 3. Identifiers: Orphanet 182067, Orphanet 360, MedGen C2751641, MONDO:0013093, OMIM 613029.
Familial prostate cancer. Also called: Hereditary Prostate Cancer. Identifiers: MedGen C2931456, MONDO:0700275, OMIM 176807.
Breast-ovarian cancer, familial, susceptibility to, 2 (BROVCA2). Also called: BRCA2 Hereditary Breast and Ovarian Cancer. Identifiers: Orphanet 145, MedGen C2675520, MONDO:0012933, OMIM 612555. Disease mechanism: loss of function.
Fanconi anemia complementation group D1. Also called: BRCA2-Related Fanconi Anemia. Identifiers: Orphanet 319462, MedGen C1838457, MONDO:0011584, OMIM 605724.
Medulloblastoma (MDB). Also called: Medulloblastoma, somatic; MEDULLOBLASTOMA PREDISPOSITION SYNDROME. Identifiers: Orphanet 616, MedGen C0025149, MeSH D008527, MONDO:0007959, OMIM 155255, HP:0002885.
Wilms tumor 1 (WT1). Also called: Wilms tumor, somatic. Identifiers: Orphanet 654, MedGen CN033288, MONDO:0008679, OMIM 194070.
Familial cancer of breast. Also called: BREAST CANCER, FAMILIAL; hereditary breast carcinoma; Hereditary breast cancer. Identifiers: Orphanet 227535, MedGen C0346153, MONDO:0016419, OMIM 114480. Disease mechanism: loss of function.
Hereditary cancer-predisposing syndrome. Also called: Neoplastic Syndromes, Hereditary; Tumor predisposition; Hereditary Cancer Syndrome; Hereditary neoplastic syndrome. Identifiers: Orphanet 140162, MedGen C0027672, MeSH D009386, MONDO:0015356.
Hereditary breast ovarian cancer syndrome. Also called: Breast and ovarian cancer; Hereditary breast and ovarian cancer; Hereditary breast and ovarian cancer syndrome (HBOC); Hereditary breast and ovarian cancer syndrome; BRCA1- and BRCA2-Associated Hereditary Breast and Ovarian Cancer; Hereditary breast and/or ovarian cancer syndrome. Identifiers: Orphanet 145, MedGen C0677776, MeSH D061325, MONDO:0003582. Disease mechanism: loss of function.
Malignant tumor of breast. Also called: Cancer breast; Malignant breast neoplasm. Identifiers: MedGen C0006142, MONDO:0007254. Disease mechanism: loss of function.

Allele frequency attached by ClinVar (database versions not stated): gnomAD exomes below 0.00001 and 0.00003; ExAC 0.00003; TOPMed 0.00006.
gnomAD v4.1: 9 of 1,576,836 alleles (0.00057%); highest among the groups gnomAD compares: East Asian, 0.016%; no homozygotes.

Submissions (16):

Labcorp Genetics (formerly Invitae), Labcorp
Classification: Likely benign for Hereditary breast ovarian cancer syndrome. Last evaluated: 2026-01-25. Review status: criteria provided, single submitter. Criteria: Invitae Variant Classification Sherloc (09022015). Collection method: clinical testing. Allele origin: germline.

Center for Genomic Medicine, Rigshospitalet, Copenhagen University Hospital
Classification: Uncertain significance. Last evaluated: 2025-03-04. Review status: criteria provided, single submitter. Criteria: ACMG Guidelines, 2015. Collection method: clinical testing. Allele origin: germline.

Quest Diagnostics Nichols Institute San Juan Capistrano
Classification: Uncertain significance. Last evaluated: 2024-07-26. Review status: criteria provided, single submitter. Criteria: Quest Diagnostics criteria. Collection method: clinical testing. Allele origin: unknown.
Comment: The BRCA2 c.323A>G (p.Asn108Ser) variant has been reported in the published literature in individuals/families with history of breast and/or ovarian cancer (PMID: 35918668 (2022), 30606148 (2019), 28338653 (2017), 10755399 (2000)). In a large scale breast cancer association study, the variant was observed individuals with breast cancer, as well as in reportedly healthy individuals (PMID: 33471991 (2021), see also LOVD). The frequency of this variant in the general population, 0.00044 (8/18378 chromosomes in East Asian subpopulation (Genome Aggregation Database)), is higher than would generally be expected for pathogenic variants in this gene. Analysis of this variant using bioinformatics tools for the prediction of the effect of amino acid changes on protein structure and function yielded predictions that this variant is benign. Based on the available information, we are unable to determine the clinical significance of this variant.

Fulgent Genetics
Classification: Uncertain significance for Familial cancer of breast; Medulloblastoma; Familial prostate cancer; Wilms tumor 1; Fanconi anemia complementation group D1; Breast-ovarian cancer, familial, susceptibility to, 2; Glioma susceptibility 3; Pancreatic cancer, susceptibility to, 2. Last evaluated: 2024-02-18. Review status: criteria provided, single submitter. Criteria: ACMG Guidelines, 2015. Collection method: clinical testing. Allele origin: germline.

All of Us Research Program, National Institutes of Health
Classification: Uncertain significance for Breast-ovarian cancer, familial, susceptibility to, 2. Last evaluated: 2023-12-01. Review status: criteria provided, single submitter. Criteria: ACMG Guidelines, 2015. Collection method: clinical testing. Allele origin: germline. Inheritance: Autosomal dominant inheritance. Observed: 5 variant alleles, 5 heterozygotes.
Comment: This missense variant replaces asparagine with serine at codon 108 of the BRCA2 protein. Computational prediction suggests that this variant may not impact protein structure and function (internally defined REVEL score threshold <= 0.5, PMID: 27666373). To our knowledge, functional studies have not been reported for this variant. This variant has been reported in one individual each affected with breast cancer, ovarian cancer and ductal carcinoma in situ (PMID: 10755399, 28338653, 30606148) and a suspected HBOC family (PMID: 21702907). In a large breast cancer case-control meta-analysis conducted by the BRIDGES consortium, this variant was reported in 5/60466 cases and 2/53461 unaffected controls (p-value=0.459) (PMID: 33471991; Leiden Open Variation Database DB-ID BRCA2_007696). This variant has been identified in 8/250556 chromosomes in the general population by the Genome Aggregation Database (gnomAD). The available evidence is insufficient to determine the role of this variant in disease conclusively. Therefore, this variant is classified as a Variant of Uncertain Significance.

This study involves interpretation of variants in research participants for the purpose of population health screening. Participant phenotype was not available at the time of variant classification. Additional details can be found in publication PMID: 35346344, PMCID: PMC8962531

Baylor Genetics
Classification: Uncertain significance for Familial cancer of breast. Last evaluated: 2023-10-02. Review status: criteria provided, single submitter. Criteria: ACMG Guidelines, 2015. Collection method: clinical testing. Allele origin: unknown.

GeneDx
Classification: Uncertain significance. Last evaluated: 2023-05-09. Review status: criteria provided, single submitter. Criteria: GeneDx Variant Classification Process June 2021. Collection method: clinical testing. Allele origin: germline. Affected: yes.
Comment: In silico analysis supports that this missense variant does not alter protein structure/function; Also known as 551A>G; This variant is associated with the following publications: (PMID: 21702907, 24817641, 32467295, 30606148)

Color Diagnostics, LLC DBA Color Health
Classification: Uncertain significance for Hereditary cancer-predisposing syndrome. Last evaluated: 2023-03-21. Review status: criteria provided, single submitter. Criteria: ACMG Guidelines, 2015. Collection method: clinical testing. Allele origin: germline.
Comment: This missense variant replaces asparagine with serine at codon 108 of the BRCA2 protein. Computational prediction suggests that this variant may not impact protein structure and function (internally defined REVEL score threshold <= 0.5, PMID: 27666373). To our knowledge, functional studies have not been reported for this variant. This variant has been reported in one individual each affected with breast cancer, ovarian cancer and ductal carcinoma in situ (PMID: 10755399, 28338653, 30606148) and a suspected HBOC family (PMID: 21702907). In a large breast cancer case-control meta-analysis conducted by the BRIDGES consortium, this variant was reported in 5/60466 cases and 2/53461 unaffected controls (p-value=0.459) (PMID: 33471991; Leiden Open Variation Database DB-ID BRCA2_007696). This variant has been identified in 8/250556 chromosomes in the general population by the Genome Aggregation Database (gnomAD). The available evidence is insufficient to determine the role of this variant in disease conclusively. Therefore, this variant is classified as a Variant of Uncertain Significance.

Ambry Genetics
Classification: Likely benign for Hereditary cancer-predisposing syndrome. Last evaluated: 2021-09-30. Review status: criteria provided, single submitter. Criteria: Ambry Variant Classification Scheme 2023. Collection method: clinical testing. Allele origin: germline.

Illumina Laboratory Services, Illumina
Classification: Uncertain significance for Fanconi anemia complementation group D1. Last evaluated: 2018-01-13. Review status: criteria provided, single submitter. Criteria: ICSL Variant Classification Criteria 13 December 2019. Collection method: clinical testing. Allele origin: germline.

Illumina Laboratory Services, Illumina
Classification: Uncertain significance for Breast-ovarian cancer, familial, susceptibility to, 2. Last evaluated: 2018-01-13. Review status: criteria provided, single submitter. Criteria: ICSL Variant Classification Criteria 13 December 2019. Collection method: clinical testing. Allele origin: germline.

Counsyl
Classification: Uncertain significance for Breast-ovarian cancer, familial, susceptibility to, 2. Last evaluated: 2016-02-08. Review status: no assertion criteria provided. Collection method: clinical testing. Allele origin: unknown. Not counted in ClinVar's aggregate classification.

Sharing Clinical Reports Project (SCRP)
Classification: Uncertain significance for Breast-ovarian cancer, familial 2. Last evaluated: 2013-10-07. Review status: no assertion criteria provided. Collection method: clinical testing. Allele origin: germline. Not counted in ClinVar's aggregate classification.

Breast Cancer Information Core (BIC) (BRCA2)
Classification: Uncertain significance for Breast-ovarian cancer, familial 2. Last evaluated: 1998-06-22. Review status: no assertion criteria provided. Collection method: clinical testing. Allele origin: germline. Affected: yes. Observed: 2 variant alleles. Not counted in ClinVar's aggregate classification.

Center for Precision Medicine, Meizhou People's Hospital
Classification: Uncertain significance for Familial cancer of breast. Review status: no assertion criteria provided. Collection method: literature only. Allele origin: germline. Affected: yes. Not counted in ClinVar's aggregate classification.

Department of Pathology and Laboratory Medicine, Sinai Health System
Classification: Uncertain significance for Malignant tumor of breast. Review status: no assertion criteria provided. Collection method: clinical testing. Allele origin: unknown. Affected: yes. Study: The Canadian Open Genetics Repository (COGR). Not counted in ClinVar's aggregate classification.
Comment: The BRCA2 p.Asn108Ser variant was not identified in the literature. The variant was identified in dbSNP (ID: rs80358568) â€šÃ„ÃºWith uncertain significance alleleâ€šÃ„Ã¹, Exome Aggregation Consortium (ExAC) database, the ClinVar database (classified as a uncertain significance variant by the Sharing Clinical Reports Project, derived from Myriad reports; BIC and Ambry Genetics) and the BIC database (2X with unknown clinical importance). This variant was identified in the Exome Aggregation Consortium (ExAC) database (released Oct 20th, 2014) in 3 of 8278 chromosomes (frequency: 0.0004) from a population of East Asian individuals, although this low number of observations and low frequency is not substantive enough to determine the prevalence of the variant in the general population and its relationship to disease. The p.Asn108Ser residue is not conserved in mammals and computational analyses (PolyPhen-2, SIFT, AlignGVGD, BLOSUM, MutationTaster) do not suggest a high likelihood of impact to the protein. However, this information is not predictive enough to rule out pathogenicity. The variant occurs outside of the splicing consensus sequence and one of five in-silico or computational prediction software programs (SpliceSiteFinder, MaxEntScan, NNSPLICE, GeneSplicer, HumanSpliceFinder) predicted a difference in splicing. In summary, based on the above information, the clinical significance of this variant cannot be determined with certainty at this time. This variant is classified as a variant of unknown significance.

Literature cited by the submitters: PubMed 30606148 (cited by 6 submitters); PubMed 21702907 (cited by 6 submitters); PubMed 24817641 (cited by 3 submitters); PubMed 28338653 (cited by 3 submitters); PubMed 10755399 (cited by 3 submitters); PubMed 35918668 (cited by Quest Diagnostics Nichols Institute San Juan Capistrano); PubMed 32467295 (cited by Quest Diagnostics Nichols Institute San Juan Capistrano); PubMed 33471991 (cited by All of Us Research Program, National Institutes of Health and Color Diagnostics, LLC DBA Color Health).

NM_000059.4(BRCA2):c.323A>G (p.Asn108Ser)

Gene: BRCA2 (BRCA2 DNA repair associated; plus strand). Cytogenetic location: 13q13.1.
Variant type: single nucleotide variant.
Coding change: c.323A>G on transcript NM_000059.4 (MANE Select); coding-DNA position 323, A replaced by G.
Protein change: p.Asn108Ser; replaces asparagine 108 with serine.
Molecular consequence: missense variant.
Genome position (GRCh38, 1-based): chr13:32,325,082, A>G. VCF-style: chr13-32325082-A-G. GRCh37 (hg19) VCF-style: chr13-32899219-A-G.
Other names: 551A>G; short protein forms N108S.
Identifiers: ClinVar variation 51430 (VCV000051430.40), dbSNP rs80358568, ClinGen allele CA017610.